The following is an entry in ClinVar:

NM_018060.4(IARS2):c.1799G>C (p.Trp600Ser)

Gene: IARS2 (isoleucyl-tRNA synthetase 2, mitochondrial; plus strand). Cytogenetic location: 1q41.
Variant type: single nucleotide variant.
Coding change: c.1799G>C on transcript NM_018060.4 (MANE Select); coding-DNA position 1799, G replaced by C.
Protein change: p.Trp600Ser; replaces tryptophan 600 with serine.
Molecular consequence: missense variant.
Genome position (GRCh38, 1-based): chr1:220,126,805, G>C. VCF-style: chr1-220126805-G-C. GRCh37 (hg19) VCF-style: chr1-220300147-G-C.
Other names: short protein forms W600S.
Identifiers: ClinVar variation 1977060 (VCV001977060.4), dbSNP rs199751269, ClinGen allele CA37557888.
Genomic context (GRCh38, chr1:220,126,805, plus strand): 5'-ACTAGGTTGGTGGCCCTGATGCCTTGGAATATGTGCCAGGTCAGGATATTTTGGACATCT[G>C]GTTTGATAGCGGAACTTCATGGTCTTATGTTCTTCCAGGTAATTCTTAAAAATAGATATA-3'
Protein context (NP_060530.3, residues 590-610): YVPGQDILDI[Trp600Ser]FDSGTSWSYV

ClinVar aggregate classification (germline): Uncertain significance (1 of 4 stars; one submission).

Allele frequency attached by ClinVar (database versions not stated): gnomAD exomes below 0.00001.
gnomAD v4.1: 3 of 1,613,214 alleles (0.00019%); highest among the groups gnomAD compares: African/African-American, 0.0013%; no homozygotes.

Submission:

Labcorp Genetics (formerly Invitae), Labcorp
Classification: Uncertain significance. Last evaluated: 2024-02-24. Review status: criteria provided, single submitter. Criteria: Invitae Variant Classification Sherloc (09022015). Collection method: clinical testing. Allele origin: germline.
Comment: This sequence change replaces tryptophan, which is neutral and slightly polar, with serine, which is neutral and polar, at codon 600 of the IARS2 protein (p.Trp600Ser). This variant is present in population databases (no rsID available, gnomAD 0.0009%). This variant has not been reported in the literature in individuals affected with IARS2-related conditions. ClinVar contains an entry for this variant (Variation ID: 1977060). An algorithm developed to predict the effect of missense changes on protein structure and function (PolyPhen-2) suggests that this variant is likely to be disruptive. In summary, the available evidence is currently insufficient to determine the role of this variant in disease. Therefore, it has been classified as a Variant of Uncertain Significance.